The following is an entry in ClinVar:

NM_000383.4(AIRE):c.46_63dup (p.Thr16_Ala21dup)

Gene: AIRE (autoimmune regulator; plus strand). Cytogenetic location: 21q22.3.
Variant type: Duplication.
Coding change: c.46_63dup on transcript NM_000383.4 (MANE Select); coding-DNA positions 46 to 63, 18 bases duplicated (ACGGAGATCGCGGTGGCC).
Protein change: p.Thr16_Ala21dup.
Molecular consequence: inframe insertion.
Genome position (GRCh38, 1-based): chr21:44,286,052-44,286,069, ACGGAGATCGCGGTGGCC duplicated; duplicating any 18 consecutive bases within chr21:44,286,051-44,286,069 gives the same sequence; the c. name uses the placement nearest the transcript's 3' end. VCF-style (leftmost placement, unchanged base first): chr21-44286050-G-GCACGGAGATCGCGGTGGC. GRCh37 (hg19) VCF-style: chr21-45705933-G-GCACGGAGATCGCGGTGGC.
Identifiers: ClinVar variation 1021824 (VCV001021824.8), dbSNP rs2040477781, ClinGen allele CA913084316.

ClinVar aggregate classification (germline): Uncertain significance (1 of 4 stars; one submission).

Conditions:
Polyglandular autoimmune syndrome, type 1 (APS1). Also called: Whitaker syndrome; Autoimmune polyendocrinopathy syndrome , type I, with or without reversible metaphyseal dysplasia; AUTOIMMUNE POLYENDOCRINE SYNDROME, TYPE I, WITH OR WITHOUT REVERSIBLE METAPHYSEAL DYSPLASIA; HYPOADRENOCORTICISM WITH HYPOPARATHYROIDISM AND SUPERFICIAL MONILIASIS; PGA I; APS I. Identifiers: Orphanet 3453, MedGen C0085859, MONDO:0009411, OMIM 240300.

Submission:

Labcorp Genetics (formerly Invitae), Labcorp
Classification: Uncertain significance for Polyglandular autoimmune syndrome, type 1. Last evaluated: 2020-10-26. Review status: criteria provided, single submitter. Criteria: Invitae Variant Classification Sherloc (09022015). Collection method: clinical testing. Allele origin: germline.
Comment: Experimental studies and prediction algorithms are not available or were not evaluated, and the functional significance of this variant is currently unknown. This variant has been observed in individual(s) with clinical features of autoimmune polyendocrinopathy syndrome (Invitae). In at least one individual the data is consistent with the variant being in trans (on the opposite chromosome) from a pathogenic variant. The frequency data for this variant in the population databases is considered unreliable, as metrics indicate insufficient coverage at this position in the ExAC database. This variant, c.46_63dup, results in the insertion of 6 amino acid(s) to the AIRE protein (p.Thr16_Ala21dup), but otherwise preserves the integrity of the reading frame. In summary, the available evidence is currently insufficient to determine the role of this variant in disease. Therefore, it has been classified as a Variant of Uncertain Significance.